The following is an entry in ClinVar:

NM_000488.4(SERPINC1):c.1219-2A>G

Gene: SERPINC1 (serpin family C member 1; minus strand). Cytogenetic location: 1q25.1.
Variant type: single nucleotide variant.
Coding change: c.1219-2A>G on transcript NM_000488.4 (MANE Select); the canonical splice acceptor site of the intron before coding-DNA position 1219, A replaced by G.
Molecular consequence: splice acceptor variant.
Genome position (GRCh38, 1-based): chr1:173,904,067, T>C on the plus strand (A>G on the coding strand, the complement: SERPINC1 is on the minus strand). VCF-style: chr1-173904067-T-C. GRCh37 (hg19) VCF-style: chr1-173873205-T-C.
Other names: c.1300-2A>G (NM_001386303.1); c.1003-2A>G (NM_001386306.1); c.1198-2A>G (NM_001386304.1); c.1162-2A>G (NM_001386305.1); c.1342-2A>G (NM_001386302.1); c.1075-2A>G (NM_001365052.2).
Identifiers: ClinVar variation 1527905 (VCV001527905.2), dbSNP rs2102773374, ClinGen allele CA343772709.

ClinVar aggregate classification (germline): Likely pathogenic. Review status: reviewed by expert panel (3 of 4 stars). 2 submissions from 2 submitters: Likely pathogenic (1). 1 of the submissions does not count toward it. Last evaluated 2026-02-20.

Conditions:
Hereditary antithrombin deficiency (AT3D). Also called: Antithrombin III deficiency; Thrombophilia due to antithrombin III deficiency; Antithrombin deficiency; Reduced antithrombin III activity. Identifiers: Orphanet 82, MedGen C0272375, MONDO:0013144, OMIM 613118, HP:0001976.

Submissions (2):

Clingen Thrombosis Variant Curation Expert Panel, ClinGen
Classification: Likely pathogenic for Hereditary antithrombin deficiency. Last evaluated: 2026-02-20. Review status: reviewed by expert panel. Criteria: ClinGen ACMG Specifications SERPINC1 V1.0.0. Collection method: curation. Allele origin: germline.
Comment: NM_000488.4(SERPINC1):c.1219-2A>G is a canonical splice acceptor variant affecting the -2 position of the terminal exon (exon 7). This variant affects the splice acceptor of the final exon and is not expected to undergo nonsense-mediated decay meeting meeting PVS1_Strong. The variant is absent from gnomAD v4.1.0 meeting PM2_Supporting. This variant has been identified in at least 3 probands with reportedly low antithrombin levels and/or family history of antithrombin deficiency (3 points - PMID: 21264449, ClinVar, VCEP expert) meeting PS4_Moderate. In summary, this variant meets the criteria to be classified as likely pathogenic for antithrombin deficiency based on the ACMG/AMP criteria applied, as specified by the ClinGen Thrombosis VCEP rule specification v.1.1.0: PVS1_Strong, PS4_Moderate, PM2_Surpporting.

MVZ Martinsried, Medicover Genetics
Classification: Pathogenic for Hereditary antithrombin deficiency. Last evaluated: 2022-02-11. Review status: criteria provided, single submitter. Criteria: ACGS Guidelines, 2020. Collection method: clinical testing. Allele origin: unknown. Affected: yes. Not counted in ClinVar's aggregate classification.